The following is an entry in ClinVar:

ClinVar aggregate classification (germline): Uncertain significance (1 of 4 stars; one submission).

Allele frequency attached by ClinVar (database versions not stated): gnomAD exomes below 0.00001.
gnomAD v4.1: 1 of 1,614,088 alleles (0.000062%); highest among the groups gnomAD compares: African/African-American, 0.0013%; no homozygotes.

Submission:

Labcorp Genetics (formerly Invitae), Labcorp
Classification: Uncertain significance. Last evaluated: 2022-05-05. Review status: criteria provided, single submitter. Criteria: Invitae Variant Classification Sherloc (09022015). Collection method: clinical testing. Allele origin: germline.
Comment: This variant is not present in population databases (gnomAD no frequency). This variant has not been reported in the literature in individuals affected with IGF1R-related conditions. Algorithms developed to predict the effect of missense changes on protein structure and function are either unavailable or do not agree on the potential impact of this missense change (SIFT: "Deleterious"; PolyPhen-2: "Possibly Damaging"; Align-GVGD: "Class C0"). In summary, the available evidence is currently insufficient to determine the role of this variant in disease. Therefore, it has been classified as a Variant of Uncertain Significance. This sequence change replaces glycine, which is neutral and non-polar, with arginine, which is basic and polar, at codon 97 of the IGF1R protein (p.Gly97Arg).

NM_000875.5(IGF1R):c.289G>A (p.Gly97Arg)

Gene: IGF1R (insulin like growth factor 1 receptor; plus strand). Cytogenetic location: 15q26.3.
Variant type: single nucleotide variant.
Coding change: c.289G>A on transcript NM_000875.5 (MANE Select); coding-DNA position 289, G replaced by A.
Protein change: p.Gly97Arg; replaces glycine 97 with arginine.
Molecular consequence: missense variant.
Genome position (GRCh38, 1-based): chr15:98,707,756, G>A. VCF-style: chr15-98707756-G-A. GRCh37 (hg19) VCF-style: chr15-99250985-G-A.
Other names: c.289G>A, p.Gly97Arg (NM_001291858.2); short protein forms G97R.
Identifiers: ClinVar variation 2134060 (VCV002134060.4), dbSNP rs2053900442, ClinGen allele CA393696942.